The following is an entry in ClinVar:

ClinVar aggregate classification (germline): Uncertain significance (1 of 4 stars; one submission).

Submission:

Ambry Genetics
Classification: Uncertain significance. Last evaluated: 2024-10-15. Review status: criteria provided, single submitter. Criteria: Ambry Variant Classification Scheme 2023. Collection method: clinical testing. Allele origin: germline.
Comment: The p.T761A variant (also known as c.2281A>G), located in coding exon 13 of the GEN1 gene, results from an A to G substitution at nucleotide position 2281. The threonine at codon 761 is replaced by alanine, an amino acid with similar properties. This amino acid position is conserved. In addition, this alteration is predicted to be tolerated by in silico analysis. Based on the available evidence, the clinical significance of this variant remains unclear.

NM_001130009.3(GEN1):c.2281A>G (p.Thr761Ala)

Gene: GEN1 (GEN1 Holliday junction 5' flap endonuclease; plus strand). Cytogenetic location: 2p24.2.
Variant type: single nucleotide variant.
Coding change: c.2281A>G on transcript NM_001130009.3 (MANE Select); coding-DNA position 2281, A replaced by G.
Protein change: p.Thr761Ala; replaces threonine 761 with alanine.
Molecular consequence: missense variant.
Genome position (GRCh38, 1-based): chr2:17,781,493, A>G. VCF-style: chr2-17781493-A-G. GRCh37 (hg19) VCF-style: chr2-17962760-A-G.
Other names: c.2281A>G, p.Thr761Ala (NM_182625.5); short protein forms T761A.
Identifiers: ClinVar variation 3519703 (VCV003519703.1).